The following is an entry in ClinVar:

NM_001271049.2(CFAP221):c.106del (p.Arg36fs)

Gene: CFAP221 (cilia and flagella associated protein 221; plus strand). Cytogenetic location: 2q14.2.
Variant type: Deletion.
Coding change: c.106del on transcript NM_001271049.2 (MANE Select); coding-DNA position 106, one base deleted (A; older notation c.106delA).
Protein change: p.Arg36fs; shifts the reading frame from arginine 36.
Molecular consequence: frameshift variant. On other transcripts: non-coding transcript variant (2).
Genome position (GRCh38, 1-based): chr2:119,546,237, A deleted; the last of 7 consecutive A bases (chr2:119,546,231-119,546,237); deleting any one gives the same sequence. VCF-style (leftmost placement, unchanged base first): chr2-119546230-GA-G. GRCh37 (hg19) VCF-style: chr2-120303806-GA-G.
Other names: short protein forms R36fs.
Identifiers: ClinVar variation 3773992 (VCV003773992.2).

ClinVar aggregate classification (germline): Pathogenic (1 of 4 stars; one submission).

Submission:

GeneDx
Classification: Pathogenic. Last evaluated: 2025-09-09. Review status: criteria provided, single submitter. Criteria: GeneDx Variant Classification Process June 2021. Collection method: clinical testing. Allele origin: germline.
Comment: Frameshift variant predicted to result in protein truncation or nonsense mediated decay in a gene for which loss of function is a known mechanism of disease; Not observed at significant frequency in large population cohorts (gnomAD); Has not been previously published as pathogenic or benign to our knowledge